The following is an entry in ClinVar:

ClinVar aggregate classification (germline): Uncertain significance (1 of 4 stars; one submission).

Conditions:
Cardiovascular phenotype. Identifiers: MedGen CN230736.

Submission:

Ambry Genetics
Classification: Uncertain significance for Cardiovascular phenotype. Last evaluated: 2025-10-23. Review status: criteria provided, single submitter. Criteria: Ambry Variant Classification Scheme 2023. Collection method: clinical testing. Allele origin: germline.
Comment: The p.W1342C variant (also known as c.4026G>C), located in coding exon 23 of the DSP gene, results from a G to C substitution at nucleotide position 4026. The tryptophan at codon 1342 is replaced by cysteine, an amino acid with highly dissimilar properties. This amino acid position is conserved. In addition, the in silico prediction for this alteration is inconclusive. Based on the available evidence, the clinical significance of this variant remains unclear.

NM_004415.4(DSP):c.4026G>C (p.Trp1342Cys)

Gene: DSP (desmoplakin; plus strand). Cytogenetic location: 6p24.3.
Variant type: single nucleotide variant.
Coding change: c.4026G>C on transcript NM_004415.4 (MANE Select); coding-DNA position 4026, G replaced by C.
Protein change: p.Trp1342Cys; replaces tryptophan 1342 with cysteine.
Molecular consequence: missense variant. On other transcripts: intron variant (1).
Genome position (GRCh38, 1-based): chr6:7,580,216, G>C. VCF-style: chr6-7580216-G-C. GRCh37 (hg19) VCF-style: chr6-7580449-G-C.
Other names: c.4026G>C, p.Trp1342Cys (NM_001319034.2); c.3582+444G>C (NM_001008844.3); short protein forms W1342C.
Identifiers: ClinVar variation 4614039 (VCV004614039.1).